The following is an entry in ClinVar:

NM_024675.4(PALB2):c.1004A>T (p.Asn335Ile)

Gene: PALB2 (partner and localizer of BRCA2; minus strand). Cytogenetic location: 16p12.2.
Variant type: single nucleotide variant.
Coding change: c.1004A>T on transcript NM_024675.4 (MANE Select); coding-DNA position 1004, A replaced by T.
Protein change: p.Asn335Ile; replaces asparagine 335 with isoleucine.
Molecular consequence: missense variant.
Genome position (GRCh38, 1-based): chr16:23,635,542, T>A on the plus strand (A>T on the coding strand, the complement: PALB2 is on the minus strand). VCF-style: chr16-23635542-T-A. GRCh37 (hg19) VCF-style: chr16-23646863-T-A.
Other names: short protein forms N335I.
Identifiers: ClinVar variation 492141 (VCV000492141.16), dbSNP rs1368473544, ClinGen allele CA395134566.

ClinVar aggregate classification (germline): Uncertain significance. Review status: criteria provided, multiple submitters, no conflicts (2 of 4 stars). 4 submissions from 4 submitters: Uncertain significance (4). Last evaluated 2025-10-06.

Conditions:
Hereditary cancer-predisposing syndrome. Also called: Hereditary neoplastic syndrome; Tumor predisposition; Hereditary Cancer Syndrome; Neoplastic Syndromes, Hereditary. Identifiers: Orphanet 140162, MedGen C0027672, MeSH D009386, MONDO:0015356.
Familial cancer of breast. Also called: Hereditary breast cancer; hereditary breast carcinoma; BREAST CANCER, FAMILIAL. Identifiers: Orphanet 227535, MedGen C0346153, MONDO:0016419, OMIM 114480. Disease mechanism: loss of function.

gnomAD v4.1: 1 of 1,613,522 alleles (0.000062%); highest among the groups gnomAD compares: Non-Finnish European, 0.000085%; no homozygotes.

Submissions (4):

Ambry Genetics
Classification: Uncertain significance for Hereditary cancer-predisposing syndrome. Last evaluated: 2025-10-06. Review status: criteria provided, single submitter. Criteria: Ambry Variant Classification Scheme 2023. Collection method: clinical testing. Allele origin: germline.
Comment: The p.N335I variant (also known as c.1004A>T), located in coding exon 4 of the PALB2 gene, results from an A to T substitution at nucleotide position 1004. The asparagine at codon 335 is replaced by isoleucine, an amino acid with dissimilar properties. This amino acid position is conserved. In addition, this alteration is predicted to be tolerated by in silico analysis. Based on the available evidence, the clinical significance of this variant remains unclear.

Labcorp Genetics (formerly Invitae), Labcorp
Classification: Uncertain significance for Familial cancer of breast. Last evaluated: 2024-03-06. Review status: criteria provided, single submitter. Criteria: Invitae Variant Classification Sherloc (09022015). Collection method: clinical testing. Allele origin: germline.
Comment: This sequence change replaces asparagine, which is neutral and polar, with isoleucine, which is neutral and non-polar, at codon 335 of the PALB2 protein (p.Asn335Ile). This variant is not present in population databases (gnomAD no frequency). This variant has not been reported in the literature in individuals affected with PALB2-related conditions. ClinVar contains an entry for this variant (Variation ID: 492141). Advanced modeling of protein sequence and biophysical properties (such as structural, functional, and spatial information, amino acid conservation, physicochemical variation, residue mobility, and thermodynamic stability) performed at Invitae indicates that this missense variant is not expected to disrupt PALB2 protein function with a negative predictive value of 80%. In summary, the available evidence is currently insufficient to determine the role of this variant in disease. Therefore, it has been classified as a Variant of Uncertain Significance.

Color Diagnostics, LLC DBA Color Health
Classification: Uncertain significance for Hereditary cancer-predisposing syndrome. Last evaluated: 2023-12-05. Review status: criteria provided, single submitter. Criteria: ACMG Guidelines, 2015. Collection method: clinical testing. Allele origin: germline.
Comment: This missense variant replaces asparagine with isoleucine at codon 335 of the PALB2 protein. Computational prediction suggests that this variant may not impact protein structure and function (internally defined REVEL score threshold <= 0.5, PMID: 27666373). To our knowledge, functional studies have not been reported for this variant. This variant has not been reported in individuals affected with PALB2-related disorders in the literature. This variant has not been identified in the general population by the Genome Aggregation Database (gnomAD). The available evidence is insufficient to determine the role of this variant in disease conclusively. Therefore, this variant is classified as a Variant of Uncertain Significance.

GeneDx
Classification: Uncertain significance. Last evaluated: 2020-09-22. Review status: criteria provided, single submitter. Criteria: GeneDx Variant Classification Process June 2021. Collection method: clinical testing. Allele origin: germline. Affected: yes.
Comment: Not observed in large population cohorts (Lek 2016); In silico analysis supports that this missense variant has a deleterious effect on protein structure/function; Has not been previously published as pathogenic or benign to our knowledge